The following is an entry in ClinVar:

NM_000051.4(ATM):c.1899-7C>T

Gene: ATM (ATM serine/threonine kinase; plus strand). Cytogenetic location: 11q22.3.
Variant type: single nucleotide variant.
Coding change: c.1899-7C>T on transcript NM_000051.4 (MANE Select); 7 bases into the intron before coding-DNA position 1899, C replaced by T.
Molecular consequence: intron variant.
Genome position (GRCh38, 1-based): chr11:108,253,807, C>T. VCF-style: chr11-108253807-C-T. GRCh37 (hg19) VCF-style: chr11-108124534-C-T.
Other names: c.1899-7C>T (NM_001351834.2).
Identifiers: ClinVar variation 524450 (VCV000524450.8), dbSNP rs1060501584, ClinGen allele CA658797792.
Genomic context (GRCh38, chr11:108,253,807, plus strand): 5'-TGCTAATACATATAAGGCAAAGCATTAGGTACTTGGTTTATATATTAAAGATCTTACTTT[C>T]TTGAAGTGAACACCACCAAAAAGATAAAGAAGAACTTTCATTCTCAGAAGTAGAAGAACT-3'

ClinVar aggregate classification (germline): Likely benign. Review status: criteria provided, multiple submitters, no conflicts (2 of 4 stars). 2 submissions from 2 submitters: Likely benign (2). Last evaluated 2024-05-02.

Conditions:
Familial cancer of breast. Also called: hereditary breast carcinoma; BREAST CANCER, FAMILIAL; Hereditary breast cancer. Identifiers: Orphanet 227535, MedGen C0346153, MONDO:0016419, OMIM 114480. Disease mechanism: loss of function.
Ataxia-telangiectasia syndrome (AT). Also called: ATAXIA-TELANGIECTASIA, COMPLEMENTATION GROUP A; ATAXIA-TELANGIECTASIA, FRESNO VARIANT; Ataxia-telangiectasia; Ataxia-telangiectasia, complementation group D; AT, COMPLEMENTATION GROUP C; Ataxia-telangiectasia, complementation group E. Identifiers: Orphanet 100, MedGen C0004135, MONDO:0008840, OMIM 208900.

Submissions (2):

Myriad Genetics, Inc.
Classification: Likely benign for Familial cancer of breast. Last evaluated: 2024-05-02. Review status: criteria provided, single submitter. Criteria: Myriad Autosomal Dominant, Autosomal Recessive and X-Linked Classification Criteria (2023). Collection method: clinical testing. Allele origin: unknown.
Comment: This variant is considered likely benign. This variant is intronic and is not expected to impact mRNA splicing.

Labcorp Genetics (formerly Invitae), Labcorp
Classification: Likely benign for Ataxia-telangiectasia syndrome. Last evaluated: 2019-05-25. Review status: criteria provided, single submitter. Criteria: Invitae Variant Classification Sherloc (09022015). Collection method: clinical testing. Allele origin: germline.